The following is an entry in ClinVar:

ClinVar aggregate classification (germline): Uncertain significance (1 of 4 stars; one submission).

Submission:

Ambry Genetics
Classification: Uncertain significance. Last evaluated: 2023-12-14. Review status: criteria provided, single submitter. Criteria: Ambry Variant Classification Scheme 2023. Collection method: clinical testing. Allele origin: germline.
Comment: The p.E1118Q variant (also known as c.3352G>C), located in coding exon 17 of the NPAT gene, results from a G to C substitution at nucleotide position 3352. The glutamic acid at codon 1118 is replaced by glutamine, an amino acid with highly similar properties. This amino acid position is conserved. In addition, this alteration is predicted to be tolerated by in silico analysis. Since supporting evidence is limited at this time, the clinical significance of this alteration remains unclear.

NM_002519.3(NPAT):c.3352G>C (p.Glu1118Gln)

Gene: NPAT (nuclear protein, coactivator of histone transcription; minus strand). Cytogenetic location: 11q22.3.
Variant type: single nucleotide variant.
Coding change: c.3352G>C on transcript NM_002519.3 (MANE Select); coding-DNA position 3352, G replaced by C.
Protein change: p.Glu1118Gln; replaces glutamic acid 1118 with glutamine.
Molecular consequence: missense variant.
Genome position (GRCh38, 1-based): chr11:108,161,734, C>G on the plus strand (G>C on the coding strand, the complement: NPAT is on the minus strand). VCF-style: chr11-108161734-C-G. GRCh37 (hg19) VCF-style: chr11-108032461-C-G.
Other names: c.3373G>C, p.Glu1125Gln (NM_001321307.1); short protein forms E1118Q, E1125Q.
Identifiers: ClinVar variation 3222588 (VCV003222588.1), dbSNP rs2496696383, ClinGen allele CA382510999.